The following is an entry in ClinVar:

NM_001003841.3(SLC6A19):c.1352C>T (p.Pro451Leu)

Gene: SLC6A19 (solute carrier family 6 member 19; plus strand). Cytogenetic location: 5p15.33.
Variant type: single nucleotide variant.
Coding change: c.1352C>T on transcript NM_001003841.3 (MANE Select); coding-DNA position 1352, C replaced by T.
Protein change: p.Pro451Leu; replaces proline 451 with leucine.
Molecular consequence: missense variant.
Genome position (GRCh38, 1-based): chr5:1,219,081, C>T. VCF-style: chr5-1219081-C-T. GRCh37 (hg19) VCF-style: chr5-1219196-C-T.
Other names: short protein forms P451L.
Identifiers: ClinVar variation 1519307 (VCV001519307.9), dbSNP rs1344159365, ClinGen allele CA359073962.
Genomic context (GRCh38, chr5:1,219,081, plus strand): 5'-CTATGTTTGGGAACATGGAGGGCGTCGTTGTGCCCCTGCAGGACCTCAGAGTCATCCCCC[C>T]GAAGTGGCCCAAGGAGGTGCTCACAGGTACGTGTGCAGTCGGGAGGGGTCCCCATGGCAA-3'
Protein context (NP_001003841.1, residues 441-461): VPLQDLRVIP[Pro451Leu]KWPKEVLTGL

ClinVar aggregate classification (germline): Uncertain significance. Review status: criteria provided, multiple submitters, no conflicts (2 of 4 stars). 2 submissions from 2 submitters: Uncertain significance (2). Last evaluated 2024-06-19.

Conditions:
Neutral 1 amino acid transport defect (HND). Also called: HARTNUP DISORDER; Hartnup disease. Identifiers: Orphanet 2116, MedGen C0018609, MONDO:0009324, OMIM 234500.

Allele frequency attached by ClinVar (database versions not stated): gnomAD exomes 0.00001; TOPMed 0.00002; gnomAD 0.00004.
gnomAD v4.1: 17 of 1,613,602 alleles (0.0011%); highest among the groups gnomAD compares: Middle Eastern, 0.033%; no homozygotes.

Submissions (2):

Fulgent Genetics
Classification: Uncertain significance for Neutral 1 amino acid transport defect. Last evaluated: 2024-06-19. Review status: criteria provided, single submitter. Criteria: ACMG Guidelines, 2015. Collection method: clinical testing. Allele origin: germline.

Labcorp Genetics (formerly Invitae), Labcorp
Classification: Uncertain significance. Last evaluated: 2024-02-24. Review status: criteria provided, single submitter. Criteria: Invitae Variant Classification Sherloc (09022015). Collection method: clinical testing. Allele origin: germline.
Comment: This sequence change replaces proline, which is neutral and non-polar, with leucine, which is neutral and non-polar, at codon 451 of the SLC6A19 protein (p.Pro451Leu). This variant is present in population databases (no rsID available, gnomAD 0.03%). This variant has not been reported in the literature in individuals affected with SLC6A19-related conditions. ClinVar contains an entry for this variant (Variation ID: 1519307). An algorithm developed to predict the effect of missense changes on protein structure and function (PolyPhen-2) suggests that this variant is likely to be tolerated. In summary, the available evidence is currently insufficient to determine the role of this variant in disease. Therefore, it has been classified as a Variant of Uncertain Significance.